The following is an entry in ClinVar:

ClinVar aggregate classification (germline): Uncertain significance (1 of 4 stars; one submission).

Submission:

CeGaT Center for Human Genetics Tuebingen
Classification: Uncertain significance. Last evaluated: 2026-04-01. Review status: criteria provided, single submitter. Criteria: CeGaT Center For Human Genetics Tuebingen Variant Classification Criteria Version 2. Collection method: clinical testing. Allele origin: germline. Affected: yes. Observed: 1 variant allele.
Comment: DDB1: PM2

NM_001923.5(DDB1):c.665-2A>G

Gene: DDB1 (damage specific DNA binding protein 1; minus strand). Cytogenetic location: 11q12.2.
Variant type: single nucleotide variant.
Coding change: c.665-2A>G on transcript NM_001923.5 (MANE Select); the canonical splice acceptor site of the intron before coding-DNA position 665, A replaced by G.
Molecular consequence: splice acceptor variant.
Genome position (GRCh38, 1-based): chr11:61,325,710, T>C on the plus strand (A>G on the coding strand, the complement: DDB1 is on the minus strand). VCF-style: chr11-61325710-T-C. GRCh37 (hg19) VCF-style: chr11-61093182-T-C.
Identifiers: ClinVar variation 4874568 (VCV004874568.2).